The following is an entry in ClinVar:

NM_004523.4(KIF11):c.1174G>T (p.Ala392Ser)

Gene: KIF11 (kinesin family member 11; plus strand). Cytogenetic location: 10q23.33.
Variant type: single nucleotide variant.
Coding change: c.1174G>T on transcript NM_004523.4 (MANE Select); coding-DNA position 1174, G replaced by T.
Protein change: p.Ala392Ser; replaces alanine 392 with serine.
Molecular consequence: missense variant.
Genome position (GRCh38, 1-based): chr10:92,621,430, G>T. VCF-style: chr10-92621430-G-T. GRCh37 (hg19) VCF-style: chr10-94381187-G-T.
Other names: short protein forms A392S.
Identifiers: ClinVar variation 2709041 (VCV002709041.3), dbSNP rs2492501455, ClinGen allele CA377591044.

ClinVar aggregate classification (germline): Uncertain significance (1 of 4 stars; one submission).

Allele frequency attached by ClinVar (database versions not stated): gnomAD exomes below 0.00001.

Submission:

Labcorp Genetics (formerly Invitae), Labcorp
Classification: Uncertain significance. Last evaluated: 2024-01-11. Review status: criteria provided, single submitter. Criteria: Invitae Variant Classification Sherloc (09022015). Collection method: clinical testing. Allele origin: germline.
Comment: This sequence change replaces alanine, which is neutral and non-polar, with serine, which is neutral and polar, at codon 392 of the KIF11 protein (p.Ala392Ser). This variant is not present in population databases (gnomAD no frequency). This variant has not been reported in the literature in individuals affected with KIF11-related conditions. Advanced modeling of protein sequence and biophysical properties (such as structural, functional, and spatial information, amino acid conservation, physicochemical variation, residue mobility, and thermodynamic stability) performed at Invitae indicates that this missense variant is not expected to disrupt KIF11 protein function with a negative predictive value of 80%. In summary, the available evidence is currently insufficient to determine the role of this variant in disease. Therefore, it has been classified as a Variant of Uncertain Significance.